The following is an entry in ClinVar:

ClinVar aggregate classification (germline): Uncertain significance (1 of 4 stars; one submission).

Allele frequency attached by ClinVar (database versions not stated): gnomAD exomes below 0.00001.
gnomAD v4.1: 1 of 1,614,256 alleles (0.000062%); highest among the groups gnomAD compares: Non-Finnish European, 0.000085%; no homozygotes.

Submission:

Labcorp Genetics (formerly Invitae), Labcorp
Classification: Uncertain significance. Last evaluated: 2021-12-23. Review status: criteria provided, single submitter. Criteria: Invitae Variant Classification Sherloc (09022015). Collection method: clinical testing. Allele origin: germline.
Comment: In summary, the available evidence is currently insufficient to determine the role of this variant in disease. Therefore, it has been classified as a Variant of Uncertain Significance. Algorithms developed to predict the effect of missense changes on protein structure and function are either unavailable or do not agree on the potential impact of this missense change (SIFT: "Tolerated"; PolyPhen-2: "Probably Damaging"; Align-GVGD: "Class C0"). This variant has not been reported in the literature in individuals affected with POLE-related conditions. This variant is present in population databases (no rsID available, gnomAD 0.0009%). This sequence change replaces glutamine, which is neutral and polar, with histidine, which is basic and polar, at codon 1067 of the POLE protein (p.Gln1067His).

NM_006231.4(POLE):c.3201G>C (p.Gln1067His)

Gene: POLE (DNA polymerase epsilon, catalytic subunit; minus strand). Cytogenetic location: 12q24.33.
Variant type: single nucleotide variant.
Coding change: c.3201G>C on transcript NM_006231.4 (MANE Select); coding-DNA position 3201, G replaced by C.
Protein change: p.Gln1067His; replaces glutamine 1067 with histidine.
Molecular consequence: missense variant.
Genome position (GRCh38, 1-based): chr12:132,659,369, C>G on the plus strand (G>C on the coding strand, the complement: POLE is on the minus strand). VCF-style: chr12-132659369-C-G. GRCh37 (hg19) VCF-style: chr12-133235955-C-G.
Other names: short protein forms Q1067H.
Identifiers: ClinVar variation 2054932 (VCV002054932.4), dbSNP rs1305473259, ClinGen allele CA387390564.